The following is an entry in ClinVar:

ClinVar aggregate classification (germline): Likely benign. Review status: criteria provided, single submitter (1 of 4 stars). 2 submissions from 2 submitters: Likely benign (1). 1 of the submissions does not count toward it. Last evaluated 2025-06-12.

Conditions:
DZIP1L-related disorder. Also called: DZIP1L-related condition.

Allele frequency attached by ClinVar (database versions not stated): gnomAD exomes 0.00003; 1000 Genomes Project 0.00020; 1000 Genomes Project 30x 0.00016; ExAC 0.00010; TOPMed 0.00028; gnomAD 0.00024; ESP Exome Variant Server 0.00054.
gnomAD v4.1: 81 of 1,614,170 alleles (0.005%); highest among the groups gnomAD compares: African/African-American, 0.081%; 1 homozygote.

Submissions (2):

Labcorp Genetics (formerly Invitae), Labcorp
Classification: Likely benign. Last evaluated: 2025-06-12. Review status: criteria provided, single submitter. Criteria: Invitae Variant Classification Sherloc (09022015). Collection method: clinical testing. Allele origin: germline.

PreventionGenetics, part of Exact Sciences
Classification: Likely benign for DZIP1L-related condition. Last evaluated: 2020-03-09. Review status: no assertion criteria provided. Collection method: clinical testing. Allele origin: germline. Not counted in ClinVar's aggregate classification.
Comment: This variant is classified as likely benign based on ACMG/AMP sequence variant interpretation guidelines (Richards et al. 2015 PMID: 25741868, with internal and published modifications).

NM_173543.3(DZIP1L):c.135C>T (p.Arg45=)

Gene: DZIP1L (DAZ interacting zinc finger protein 1 like; minus strand). Cytogenetic location: 3q22.3.
Variant type: single nucleotide variant.
Coding change: c.135C>T on transcript NM_173543.3 (MANE Select); coding-DNA position 135, C replaced by T.
Protein change: p.Arg45=; no amino-acid change (arginine 45 retained).
Molecular consequence: synonymous variant.
Genome position (GRCh38, 1-based): chr3:138,103,837, G>A on the plus strand (C>T on the coding strand, the complement: DZIP1L is on the minus strand). VCF-style: chr3-138103837-G-A. GRCh37 (hg19) VCF-style: chr3-137822679-G-A.
Other names: c.135C>T (NM_173543.2); c.135C>T, p.Arg45= (NM_001170538.1).
Identifiers: ClinVar variation 2888989 (VCV002888989.5), dbSNP rs141620783, ClinGen allele CA2635357.